The following is an entry in ClinVar:

NM_001142.2(AMELX):c.123G>C (p.Trp41Cys)

Genes: AMELX (amelogenin X-linked; plus strand), ARHGAP6 (Rho GTPase activating protein 6; minus strand). Cytogenetic location: Xp22.2.
Variant type: single nucleotide variant.
Coding change: c.123G>C on transcript NM_001142.2 (MANE Select); coding-DNA position 123, G replaced by C.
Protein change: p.Trp41Cys; replaces tryptophan 41 with cysteine.
Molecular consequence: missense variant. On other transcripts: intron variant (3).
Genome position (GRCh38, 1-based): chrX:11,298,256, G>C. VCF-style: chrX-11298256-G-C. GRCh37 (hg19) VCF-style: chrX-11316376-G-C.
Other names: c.165G>C, p.Trp55Cys (NM_182680.1); c.75G>C, p.Trp25Cys (NM_182681.1); c.589-43549C>G (NM_013427.3, NM_006125.3); c.49-43549C>G (NM_001287242.2); short protein forms W55C, W25C, W41C.
Identifiers: ClinVar variation 4987237 (VCV004987237.1).

ClinVar aggregate classification (germline): Uncertain significance (1 of 4 stars; one submission).

Conditions:
AMELX-related disorder. Also called: AMELX-related condition.

gnomAD v4.1: 20 of 1,209,347 alleles (0.0017%); highest among the groups gnomAD compares: Non-Finnish European, 0.0022%; no homozygotes.

Submission:

PreventionGenetics, part of Exact Sciences
Classification: Uncertain significance for AMELX-related condition. Last evaluated: 2025-05-01. Review status: criteria provided, single submitter. Criteria: ACMG Guidelines, 2015. Collection method: clinical testing. Allele origin: germline.
Comment: The AMELX c.165G>C variant is predicted to result in the amino acid substitution p.Trp55Cys. To our knowledge, this variant has not been reported in the literature. This variant is reported in 0.0024% of alleles in individuals of European (Non-Finnish) descent in gnomAD. At this time, the clinical significance of this variant is uncertain due to the absence of conclusive functional and genetic evidence.